The following is an entry in ClinVar:

ClinVar aggregate classification (germline): Uncertain significance (0 of 4 stars; one submission).

Conditions:
IRF6-related condition. Also called: IRF6-Related Disorders; IRF6-related disorder. Identifiers: MedGen CN378148, MONDO:1040010.

Submission:

PreventionGenetics, part of Exact Sciences
Classification: Uncertain significance for IRF6-related condition. Last evaluated: 2024-01-19. Review status: no assertion criteria provided. Collection method: clinical testing. Allele origin: germline.
Comment: The IRF6 c.264T>G variant is predicted to result in the amino acid substitution p.Asn88Lys. To our knowledge, this variant has not been reported in the literature or in a large population database, indicating this variant is rare. Alternate nucleotide substitutions affecting the same amino acid (p.Asn88Tyr, p.Asn88Ser, p.Asn88His, p.Asn88Ile, and p.Asn88Asp), have been reported in multiple individuals with IRF6-related disorders (see for example, Table 3, de Lima et al. 2009. PubMed ID: 19282774; Birkeland et al. 2011. PubMed ID: 21468557; Schierz et al. 2022. PubMed ID: 35906647). Moreover, these variants localize to the IRF6 DNA binding domain, which is considered a hotspot for pathogenic variants (Kondo et al. 2002. PubMed ID: 12219090; de Lima et al. 2009. PubMed ID: 19282774). Although we suspect that the c.264T>G (p.Asn88Lys) variant may be pathogenic, at this time, the clinical significance of this variant is uncertain due to the absence of conclusive functional and genetic evidence.

NM_006147.4(IRF6):c.264T>G (p.Asn88Lys)

Gene: IRF6 (interferon regulatory factor 6; minus strand). Cytogenetic location: 1q32.2.
Variant type: single nucleotide variant.
Coding change: c.264T>G on transcript NM_006147.4 (MANE Select); coding-DNA position 264, T replaced by G.
Protein change: p.Asn88Lys; replaces asparagine 88 with lysine.
Molecular consequence: missense variant. On other transcripts: 5 prime UTR variant (1).
Genome position (GRCh38, 1-based): chr1:209,796,463, A>C on the plus strand (T>G on the coding strand, the complement: IRF6 is on the minus strand). VCF-style: chr1-209796463-A-C. GRCh37 (hg19) VCF-style: chr1-209969808-A-C.
Other names: c.-22T>G (NM_001206696.2); short protein forms N88K.
Identifiers: ClinVar variation 3031414 (VCV003031414.2), dbSNP rs1553248265, ClinGen allele CA344583249.
Genomic context (GRCh38, chr1:209,796,463, plus strand): 5'-CACTGGGTTCATGGGCACCTCCTTGGTGCCATCATACATCAGGTTGAATTCTCTGCTCTT[A>C]TTGAGAGCACAGCGCAGCTGGGCCTTCCATTTAGCTGGGTCAGGGTCATCCACCCCTTCC-3'
Protein context (NP_006138.1, residues 78-98): KWKAQLRCAL[Asn88Lys]KSREFNLMYD